The following is an entry in ClinVar:

NM_003907.3(EIF2B5):c.655C>T (p.Gln219Ter)

Gene: EIF2B5 (eukaryotic translation initiation factor 2B subunit epsilon; plus strand). Cytogenetic location: 3q27.1.
Variant type: single nucleotide variant.
Coding change: c.655C>T on transcript NM_003907.3 (MANE Select); coding-DNA position 655, C replaced by T.
Protein change: p.Gln219Ter; replaces glutamine 219 with a stop codon.
Molecular consequence: nonsense.
Genome position (GRCh38, 1-based): chr3:184,138,046, C>T. VCF-style: chr3-184138046-C-T. GRCh37 (hg19) VCF-style: chr3-183855834-C-T.
Other names: short protein forms Q219*.
Identifiers: ClinVar variation 2858471 (VCV002858471.3), dbSNP rs377674601, ClinGen allele CA355382441.
Genomic context (GRCh38, chr3:184,138,046, plus strand): 5'-GACAATGTGGTAGTGGCTGTGGATAGTACCACAAACAGGGTTCTCCATTTTCAGAAGACC[C>T]AGGGTCTCCGGCGTTTTGCATTTCCTCTGGTGTGTGGATATCTGGGGTCCTTTGAGATGG-3'

ClinVar aggregate classification (germline): Pathogenic (1 of 4 stars; one submission).

Submission:

Labcorp Genetics (formerly Invitae), Labcorp
Classification: Pathogenic. Last evaluated: 2023-04-22. Review status: criteria provided, single submitter. Criteria: Invitae Variant Classification Sherloc (09022015). Collection method: clinical testing. Allele origin: germline.
Comment: For these reasons, this variant has been classified as Pathogenic. This variant has not been reported in the literature in individuals affected with EIF2B5-related conditions. This variant is not present in population databases (gnomAD no frequency). This sequence change creates a premature translational stop signal (p.Gln219*) in the EIF2B5 gene. It is expected to result in an absent or disrupted protein product. Loss-of-function variants in EIF2B5 are known to be pathogenic (PMID: 11704758, 15060152, 21307862).

Literature cited by the submitters: PubMed 11704758; PubMed 15060152; PubMed 21307862.